The following is an entry in ClinVar:

ClinVar aggregate classification (germline): Uncertain significance (1 of 4 stars; one submission).

Submission:

Labcorp Genetics (formerly Invitae), Labcorp
Classification: Uncertain significance. Last evaluated: 2025-04-20. Review status: criteria provided, single submitter. Criteria: Invitae Variant Classification Sherloc (09022015). Collection method: clinical testing. Allele origin: germline.
Comment: This variant, c.1458_1460del, results in the deletion of 1 amino acid(s) of the ATP1A1 protein (p.Asn486del), but otherwise preserves the integrity of the reading frame. This variant is not present in population databases (gnomAD no frequency). This variant has not been reported in the literature in individuals affected with ATP1A1-related conditions. Experimental studies and prediction algorithms are not available or were not evaluated, and the functional significance of this variant is currently unknown. In summary, the available evidence is currently insufficient to determine the role of this variant in disease. Therefore, it has been classified as a Variant of Uncertain Significance.

NM_000701.8(ATP1A1):c.1455CAA[1] (p.Asn486del)

Genes: ATP1A1 (ATPase Na+/K+ transporting subunit alpha 1; plus strand), ATP1A1-AS1 (ATP1A1 antisense RNA 1; minus strand). Cytogenetic location: 1p13.1.
Variant type: Microsatellite.
Coding change: c.1455CAA[1] on transcript NM_000701.8 (MANE Select); one copy of the 3-base unit CAA starting at c.1455; the reference has two copies in a row; one copy, 3 bases deleted.
Protein change: p.Asn486del; deletes asparagine 486.
Molecular consequence: non-coding transcript variant (on NR_027646.1).
Genome position (GRCh38, 1-based): chr1:116,392,979-116,392,981, CAA deleted; deleting any 3 consecutive bases within chr1:116,392,976-116,392,981 gives the same sequence; the position shown is the placement nearest the transcript's 3' end. VCF-style (leftmost placement, unchanged base first): chr1-116392975-CCAA-C. GRCh37 (hg19) VCF-style: chr1-116935597-CCAA-C.
Other names: c.1455CAA[1], p.Asn486del (NM_001160233.2); c.1362CAA[1], p.Asn455del (NM_001160234.2); short protein forms N455del, N486del.
Identifiers: ClinVar variation 4811592 (VCV004811592.1).